The following is an entry in ClinVar:

ClinVar aggregate classification (germline): Benign/Likely benign. Review status: criteria provided, multiple submitters, no conflicts (2 of 4 stars). 4 submissions from 4 submitters: Benign (1); Likely benign (3). Last evaluated 2026-08-24.

Conditions:
CHAMP1-related disorder. Also called: CHAMP1-related condition.

Allele frequency attached by ClinVar (database versions not stated): gnomAD exomes 0.00004 and 0.00017; TOPMed 0.00015; gnomAD 0.00017 and 0.00018; ExAC 0.00021.
gnomAD v4.1: 160 of 1,614,164 alleles (0.0099%); highest among the groups gnomAD compares: East Asian, 0.14%; 1 homozygote.

Submissions (4):

PreventionGenetics, part of Exact Sciences
Classification: Likely benign for CHAMP1-related condition. Last evaluated: 2026-08-24. Review status: criteria provided, single submitter. Criteria: ACMG Guidelines, 2015. Collection method: clinical testing. Allele origin: germline.
Comment: This variant is classified as likely benign based on ACMG/AMP sequence variant interpretation guidelines (Richards et al. 2015 PMID: 25741868, with internal and published modifications).

CeGaT Center for Human Genetics Tuebingen
Classification: Likely benign. Last evaluated: 2025-05-01. Review status: criteria provided, single submitter. Criteria: CeGaT Center For Human Genetics Tuebingen Variant Classification Criteria Version 2. Collection method: clinical testing. Allele origin: germline. Affected: yes. Observed: 2 variant alleles.
Comment: CHAMP1: BP4, BP7

Blueprint Genetics
Classification: Likely benign. Last evaluated: 2024-11-06. Review status: criteria provided, single submitter. Criteria: ACMG Guidelines, 2015. Collection method: clinical testing. Allele origin: germline.

Labcorp Genetics (formerly Invitae), Labcorp
Classification: Benign. Last evaluated: 2019-12-31. Review status: criteria provided, single submitter. Criteria: Invitae Variant Classification Sherloc (09022015). Collection method: clinical testing. Allele origin: germline.

NM_032436.4(CHAMP1):c.1311A>G (p.Pro437=)

Gene: CHAMP1 (chromosome alignment maintaining phosphoprotein 1; plus strand). Cytogenetic location: 13q34.
Variant type: single nucleotide variant.
Coding change: c.1311A>G on transcript NM_032436.4 (MANE Select); coding-DNA position 1311, A replaced by G.
Protein change: p.Pro437=; no amino-acid change (proline 437 retained).
Molecular consequence: synonymous variant.
Genome position (GRCh38, 1-based): chr13:114,325,153, A>G. VCF-style: chr13-114325153-A-G. GRCh37 (hg19) VCF-style: chr13-115090628-A-G.
Other names: c.1311A>G, p.Pro437= (NM_001164144.3, NM_001164145.3); c.1311A>G (NM_001164145.2).
Identifiers: ClinVar variation 717460 (VCV000717460.30), dbSNP rs371126156, ClinGen allele CA7070785.